The following is an entry in ClinVar:

ClinVar aggregate classification (germline): Uncertain significance (1 of 4 stars; one submission).

Conditions:
Inborn genetic diseases. Identifiers: MedGen C0950123, MeSH D030342.

gnomAD v4.1: 1 of 1,613,126 alleles (0.000062%); highest among the groups gnomAD compares: Non-Finnish European, 0.000085%; no homozygotes.

Submission:

Ambry Genetics
Classification: Uncertain significance for Inborn genetic diseases. Last evaluated: 2026-01-10. Review status: criteria provided, single submitter. Criteria: Ambry Variant Classification Scheme 2023. Collection method: clinical testing. Allele origin: germline.
Comment: The p.H745R variant (also known as c.2234A>G), located in coding exon 21 of the ANKRD26 gene, results from an A to G substitution at nucleotide position 2234. The histidine at codon 745 is replaced by arginine, an amino acid with highly similar properties. This amino acid position is conserved. In addition, this alteration is predicted to be tolerated by in silico analysis. Based on the available evidence, the clinical significance of this variant remains unclear.

NM_014915.3(ANKRD26):c.2234A>G (p.His745Arg)

Gene: ANKRD26 (ankyrin repeat domain 26; minus strand). Cytogenetic location: 10p12.1.
Variant type: single nucleotide variant.
Coding change: c.2234A>G on transcript NM_014915.3 (MANE Select); coding-DNA position 2234, A replaced by G.
Protein change: p.His745Arg; replaces histidine 745 with arginine.
Molecular consequence: missense variant.
Genome position (GRCh38, 1-based): chr10:27,040,106, T>C on the plus strand (A>G on the coding strand, the complement: ANKRD26 is on the minus strand). VCF-style: chr10-27040106-T-C. GRCh37 (hg19) VCF-style: chr10-27329035-T-C.
Other names: c.2231A>G, p.His744Arg (NM_001256053.2); short protein forms H744R, H745R.
Identifiers: ClinVar variation 4825343 (VCV004825343.1).